The following is an entry in ClinVar:

ClinVar aggregate classification (germline): Uncertain significance. Review status: criteria provided, multiple submitters, no conflicts (2 of 4 stars). 2 submissions from 2 submitters: Uncertain significance (2). Last evaluated 2023-12-01.

Conditions:
Familial cancer of breast. Also called: hereditary breast carcinoma; BREAST CANCER, FAMILIAL; Hereditary breast cancer. Identifiers: Orphanet 227535, MedGen C0346153, MONDO:0016419, OMIM 114480. Disease mechanism: loss of function.
Hereditary cancer-predisposing syndrome. Also called: Hereditary Cancer Syndrome; Hereditary neoplastic syndrome; Tumor predisposition; Neoplastic Syndromes, Hereditary. Identifiers: Orphanet 140162, MedGen C0027672, MeSH D009386, MONDO:0015356.

gnomAD v4.1: 1 of 1,614,180 alleles (0.000062%); highest among the groups gnomAD compares: Non-Finnish European, 0.000085%; no homozygotes.

Submissions (2):

Ambry Genetics
Classification: Uncertain significance for Hereditary cancer-predisposing syndrome. Last evaluated: 2023-12-01. Review status: criteria provided, single submitter. Criteria: Ambry Variant Classification Scheme 2023. Collection method: clinical testing. Allele origin: germline.
Comment: The p.A903P variant (also known as c.2707G>C), located in coding exon 7 of the PALB2 gene, results from a G to C substitution at nucleotide position 2707. The alanine at codon 903 is replaced by proline, an amino acid with highly similar properties. This amino acid position is conserved. In addition, this alteration is predicted to be tolerated by in silico analysis. Since supporting evidence is limited at this time, the clinical significance of this alteration remains unclear.

Labcorp Genetics (formerly Invitae), Labcorp
Classification: Uncertain significance for Familial cancer of breast. Last evaluated: 2019-12-27. Review status: criteria provided, single submitter. Criteria: Invitae Variant Classification Sherloc (09022015). Collection method: clinical testing. Allele origin: germline.
Comment: This variant is not present in population databases (ExAC no frequency). This sequence change replaces alanine with proline at codon 903 of the PALB2 protein (p.Ala903Pro). The alanine residue is weakly conserved and there is a small physicochemical difference between alanine and proline. Algorithms developed to predict the effect of missense changes on protein structure and function output the following: SIFT: "Tolerated"; PolyPhen-2: "Benign"; Align-GVGD: "Class C0". The proline amino acid residue is found in multiple mammalian species, suggesting that this missense change does not adversely affect protein function. These predictions have not been confirmed by published functional studies and their clinical significance is uncertain. This variant has not been reported in the literature in individuals with PALB2-related conditions. In summary, the available evidence is currently insufficient to determine the role of this variant in disease. Therefore, it has been classified as a Variant of Uncertain Significance.

NM_024675.4(PALB2):c.2707G>C (p.Ala903Pro)

Gene: PALB2 (partner and localizer of BRCA2; minus strand). Cytogenetic location: 16p12.2.
Variant type: single nucleotide variant.
Coding change: c.2707G>C on transcript NM_024675.4 (MANE Select); coding-DNA position 2707, G replaced by C.
Protein change: p.Ala903Pro; replaces alanine 903 with proline.
Molecular consequence: missense variant.
Genome position (GRCh38, 1-based): chr16:23,626,277, C>G on the plus strand (G>C on the coding strand, the complement: PALB2 is on the minus strand). VCF-style: chr16-23626277-C-G. GRCh37 (hg19) VCF-style: chr16-23637598-C-G.
Other names: short protein forms A903P.
Identifiers: ClinVar variation 841940 (VCV000841940.12), dbSNP rs1324636666, ClinGen allele CA395121922.
Genomic context (GRCh38, chr16:23,626,277, plus strand): 5'-GCTCGAGATTCCCACTTACCTCTGCGAAGTGCCAGGTATAAAGTTTTTCCCACTGCCAAG[C>G]ATCCAGAGCTTTCCAAAGAGAAACTACATCTTCGCAAGCAGTTATGATACATGGCTCTTT-3'
Protein context (NP_078951.2, residues 893-913): DVVSLWKALD[Ala903Pro]WQWEKLYTWH